The following is an entry in ClinVar:

NM_015021.3(ZNF292):c.5648T>C (p.Ile1883Thr)

Gene: ZNF292 (zinc finger protein 292; plus strand). Cytogenetic location: 6q14.3.
Variant type: single nucleotide variant.
Coding change: c.5648T>C on transcript NM_015021.3 (MANE Select); coding-DNA position 5648, T replaced by C.
Protein change: p.Ile1883Thr; replaces isoleucine 1883 with threonine.
Molecular consequence: missense variant.
Genome position (GRCh38, 1-based): chr6:87,259,277, T>C. VCF-style: chr6-87259277-T-C. GRCh37 (hg19) VCF-style: chr6-87968995-T-C.
Other names: c.5228T>C, p.Ile1743Thr (NM_001351444.2); short protein forms I1743T, I1883T.
Identifiers: ClinVar variation 3257129 (VCV003257129.17).

ClinVar aggregate classification (germline): Likely benign (1 of 4 stars; one submission).

gnomAD v4.1: 10 of 1,613,574 alleles (0.00062%); highest among the groups gnomAD compares: Middle Eastern, 0.016%; no homozygotes.

Submission:

CeGaT Center for Human Genetics Tuebingen
Classification: Likely benign. Last evaluated: 2024-07-01. Review status: criteria provided, single submitter. Criteria: CeGaT Center For Human Genetics Tuebingen Variant Classification Criteria Version 2. Collection method: clinical testing. Allele origin: germline. Affected: yes. Observed: 1 variant allele.
Comment: ZNF292: BP4, BS2